The following is an entry in ClinVar:

ClinVar aggregate classification (germline): Pathogenic (1 of 4 stars; one submission).

Conditions:
Ehlers-Danlos syndrome, dermatosparaxis type. Also called: EDS VIIC; Dermatosparaxis; Ehlers-Danlos syndrome, type VII, autosomal recessive. Identifiers: Orphanet 1901, MedGen C2700425, MONDO:0009161, OMIM 225410.

Submission:

Myriad Genetics, Inc.
Classification: Pathogenic for Ehlers-Danlos syndrome, dermatosparaxis type. Last evaluated: 2024-05-14. Review status: criteria provided, single submitter. Criteria: Myriad Autosomal Dominant, Autosomal Recessive and X-Linked Classification Criteria (2023). Collection method: clinical testing. Allele origin: unknown.
Comment: NM_014244.4(ADAMTS2):c.128_129ins11(D44Lfs*125) is expected to be pathogenic in the context of Ehlers-Danlos syndrome, ADAMTS2-related. This variant is predicted to lead to an abnormal or absent protein product due to the creation of a premature termination codon in ADAMTS2, a gene where loss-of-function variants are known to be pathogenic. Please note: this variant was assessed in the context of healthy population screening.

NM_014244.5(ADAMTS2):c.128_129insACTCAGCAGCA (p.Asp44fs)

Gene: ADAMTS2 (ADAM metallopeptidase with thrombospondin type 1 motif 2; minus strand). Cytogenetic location: 5q35.3.
Variant type: Insertion.
Coding change: c.128_129insACTCAGCAGCA on transcript NM_014244.5 (MANE Select); coding-DNA positions 128 to 129, ACTCAGCAGCA inserted.
Protein change: p.Asp44fs; shifts the reading frame from aspartic acid 44.
Molecular consequence: frameshift variant.
Genome position: GRCh38 VCF-style: chr5-179345200-G-GTGCTGCTGAGT. GRCh37 (hg19) VCF-style: chr5-178772201-G-GTGCTGCTGAGT.
Other names: c.128_129insACTCAGCAGCA, p.Asp44fs (NM_021599.4); short protein forms D44fs.
Identifiers: ClinVar variation 5010932 (VCV005010932.1).
Genomic context (GRCh38, chr5:179,345,200, plus strand): 5'-AGGGCCAGGCCGGCGGGGGTCCCGGGGAGTAGGGGCCGGGCCGCACCTACCTGGGGGGTC[G>GTGCTGCTGAGT]GCGGCGGCGGCGAGCCTGGCGTTCGCGGGCGGCGGCGGCGGCGGCAGGAGCGGCGGCGGC-3'